The following is an entry in ClinVar:

ClinVar aggregate classification (germline): Uncertain significance (1 of 4 stars; one submission).

Conditions:
Noonan syndrome 9 (NS9). Identifiers: Orphanet 648, MedGen C4225282, MONDO:0014691, OMIM 616559.

Submission:

Labcorp Genetics (formerly Invitae), Labcorp
Classification: Uncertain significance for Noonan syndrome 9. Last evaluated: 2025-10-29. Review status: criteria provided, single submitter. Criteria: Invitae Variant Classification Sherloc (09022015). Collection method: clinical testing. Allele origin: germline.
Comment: This sequence change replaces serine, which is neutral and polar, with alanine, which is neutral and non-polar, at codon 878 of the SOS2 protein (p.Ser878Ala). This variant is not present in population databases (gnomAD no frequency). This variant has not been reported in the literature in individuals affected with SOS2-related conditions. Invitae Evidence Modeling of protein sequence and biophysical properties (such as structural, functional, and spatial information, amino acid conservation, physicochemical variation, residue mobility, and thermodynamic stability) has been performed for this missense variant. However, the output from this modeling did not meet the statistical confidence thresholds required to predict the impact of this variant on SOS2 protein function. In summary, the available evidence is currently insufficient to determine the role of this variant in disease. Therefore, it has been classified as a Variant of Uncertain Significance.

NM_006939.4(SOS2):c.2632T>G (p.Ser878Ala)

Gene: SOS2 (SOS Ras/Rho guanine nucleotide exchange factor 2; minus strand). Cytogenetic location: 14q21.3.
Variant type: single nucleotide variant.
Coding change: c.2632T>G on transcript NM_006939.4 (MANE Select); coding-DNA position 2632, T replaced by G.
Protein change: p.Ser878Ala; replaces serine 878 with alanine.
Molecular consequence: missense variant.
Genome position (GRCh38, 1-based): chr14:50,145,205, A>C on the plus strand (T>G on the coding strand, the complement: SOS2 is on the minus strand). VCF-style: chr14-50145205-A-C. GRCh37 (hg19) VCF-style: chr14-50611923-A-C.
Other names: c.2533T>G, p.Ser845Ala (NM_001411020.1); short protein forms S845A, S878A.
Identifiers: ClinVar variation 4807296 (VCV004807296.1).
Genomic context (GRCh38, chr14:50,145,205, plus strand): 5'-TGAAAAAGTTAAGCCTAAAACTTACCTCAAAGGTATGGTCTAGTCTGTATACTGACACTG[A>C]ATTTACTGCACTGACTATCTCCAATACGCCATTGAAATTATTCAAATCTTGAAAAACTTG-3'
Protein context (NP_008870.2, residues 868-888): GVLEIVSAVN[Ser878Ala]VSVYRLDHTF